The following is an entry in ClinVar:

NM_005732.4(RAD50):c.893A>C (p.Gln298Pro)

Gene: RAD50 (RAD50 double strand break repair protein; plus strand). Cytogenetic location: 5q31.1.
Variant type: single nucleotide variant.
Coding change: c.893A>C on transcript NM_005732.4 (MANE Select); coding-DNA position 893, A replaced by C.
Protein change: p.Gln298Pro; replaces glutamine 298 with proline.
Molecular consequence: missense variant.
Genome position (GRCh38, 1-based): chr5:132,587,931, A>C. VCF-style: chr5-132587931-A-C. GRCh37 (hg19) VCF-style: chr5-131923623-A-C.
Other names: short protein forms Q298P.
Identifiers: ClinVar variation 4862854 (VCV004862854.1).

ClinVar aggregate classification (germline): Uncertain significance (1 of 4 stars; one submission).

Conditions:
Hereditary cancer-predisposing syndrome. Also called: Neoplastic Syndromes, Hereditary; Tumor predisposition; Hereditary Cancer Syndrome; Hereditary neoplastic syndrome. Identifiers: Orphanet 140162, MedGen C0027672, MeSH D009386, MONDO:0015356.

Submission:

Ambry Genetics
Classification: Uncertain significance for Hereditary cancer-predisposing syndrome. Last evaluated: 2026-05-31. Review status: criteria provided, single submitter. Criteria: Ambry Variant Classification Scheme 2023. Collection method: clinical testing. Allele origin: germline.
Comment: The p.Q298P variant (also known as c.893A>C), located in coding exon 7 of the RAD50 gene, results from an A to C substitution at nucleotide position 893. The glutamine at codon 298 is replaced by proline, an amino acid with similar properties. This amino acid position is conserved. In addition, the in silico prediction for this alteration is inconclusive. Based on the available evidence, the clinical significance of this variant remains unclear.